The following is an entry in ClinVar:

ClinVar aggregate classification (germline): Uncertain significance (1 of 4 stars; one submission).

gnomAD v4.1: 1 of 1,614,054 alleles (0.000062%); highest among the groups gnomAD compares: Non-Finnish European, 0.000085%; no homozygotes.

Submission:

GeneDx
Classification: Uncertain significance. Last evaluated: 2024-09-18. Review status: criteria provided, single submitter. Criteria: GeneDx Variant Classification Process June 2021. Collection method: clinical testing. Allele origin: germline. Affected: yes.
Comment: Not observed at significant frequency in large population cohorts (gnomAD); In silico analysis supports that this missense variant has a deleterious effect on protein structure/function; Has not been previously published as pathogenic or benign to our knowledge

NM_001394062.1(MACF1):c.21802C>T (p.Arg7268Cys)

Gene: MACF1 (microtubule actin crosslinking factor 1; plus strand). Cytogenetic location: 1p34.3.
Variant type: single nucleotide variant.
Coding change: c.21802C>T on transcript NM_001394062.1 (MANE Select); coding-DNA position 21802, C replaced by T.
Protein change: p.Arg7268Cys; replaces arginine 7268 with cysteine.
Molecular consequence: missense variant.
Genome position (GRCh38, 1-based): chr1:39,468,645, C>T. VCF-style: chr1-39468645-C-T. GRCh37 (hg19) VCF-style: chr1-39934317-C-T.
Other names: c.9862C>T, p.Arg3288Cys (NM_001397473.1); c.15607C>T, p.Arg5203Cys (NM_012090.5); short protein forms R3288C, R5203C, R7268C.
Identifiers: ClinVar variation 3774027 (VCV003774027.1).